The following is an entry in ClinVar:

NM_000169.3(GLA):c.1011_1029del (p.Glu338fs)

Genes: GLA (galactosidase alpha; minus strand), RPL36A-HNRNPH2 (RPL36A-HNRNPH2 readthrough; plus strand). Cytogenetic location: Xq22.1.
Variant type: Deletion.
Coding change: c.1011_1029del on transcript NM_000169.3 (MANE Select); coding-DNA positions 1011 to 1029, 19 bases deleted (TGAAGTGTGGGAACGACCT).
Protein change: p.Glu338fs; shifts the reading frame from glutamic acid 338.
Molecular consequence: frameshift variant. On other transcripts: non-coding transcript variant (3), intron variant (2).
Genome position (GRCh38, 1-based): chrX:101,398,070-101,398,088, AGGTCGTTCCCACACTTCA deleted on the plus strand (TGAAGTGTGGGAACGACCT on the coding strand, the reverse complement: GLA is on the minus strand); deleting any 19 consecutive bases within chrX:101,398,070-101,398,089 gives the same sequence; the c. name uses the placement nearest the transcript's 3' end. VCF-style (leftmost placement, unchanged base first): chrX-101398069-GAGGTCGTTCCCACACTTCA-G. GRCh37 (hg19) VCF-style: chrX-100653057-GAGGTCGTTCCCACACTTCA-G.
Other names: c.1134_1152del, p.Glu379fs (NM_001406747.1); c.300+2614_300+2632del (NM_001199973.2); c.177+6249_177+6267del (NM_001199974.2); short protein forms E338fs, E379fs.
Identifiers: ClinVar variation 4974834 (VCV004974834.1).

ClinVar aggregate classification (germline): Pathogenic (1 of 4 stars; one submission).

Conditions:
Fabry disease. Also called: Fabry's disease; ALPHA-GALACTOSIDASE A DEFICIENCY; ANDERSON-FABRY DISEASE; CERAMIDE TRIHEXOSIDASE DEFICIENCY; GLA DEFICIENCY; HEREDITARY DYSTOPIC LIPIDOSIS. Identifiers: Orphanet 324, MedGen C0002986, MONDO:0010526, OMIM 301500, HP:0001071. Disease mechanism: Fabry disease is due to inactivating mutations in the X-linked GLA gene resulting in deficiency of the enzyme Alpha Galactosidase-A., loss of function.

Submission:

Genomenon, Inc
Classification: Pathogenic for Fabry disease. Last evaluated: 2026-09-08. Review status: criteria provided, single submitter. Criteria: Genomenon Sequence Variant Interpretation Standards - Updated. Collection method: curation. Allele origin: germline. Affected: yes.
Comment: GLA p.Glu338SerfsTer4 (c.1011_1029del) is a frameshift variant that is predicted to introduce a premature termination codon and result in a truncated or absent protein product. This variant has been observed in at least one proband with clinical features consistent with Fabry disease (PMID:28736719). It is absent or not present at a significant frequency in gnomAD. In conclusion, we classify GLA p.Glu338SerfsTer4 (c.1011_1029del) as a pathogenic variant.

Literature cited by the submitters: PubMed 28736719.